The following is an entry in ClinVar:

ClinVar aggregate classification (germline): Uncertain significance (1 of 4 stars; one submission).

Conditions:
Familial thoracic aortic aneurysm and aortic dissection (TAAD). Also called: Thoracic aortic aneurysms and dissections. Identifiers: Orphanet 91387, MedGen C4707243, MONDO:0019625.

Submission:

Ambry Genetics
Classification: Uncertain significance for Familial thoracic aortic aneurysm and aortic dissection. Last evaluated: 2024-06-09. Review status: criteria provided, single submitter. Criteria: Ambry Variant Classification Scheme 2023. Collection method: clinical testing. Allele origin: germline.
Comment: The p.L545P variant (also known as c.1634T>C), located in coding exon 5 of the SKI gene, results from a T to C substitution at nucleotide position 1634. The leucine at codon 545 is replaced by proline, an amino acid with similar properties. This amino acid position is conserved. In addition, this alteration is predicted to be deleterious by in silico analysis. Based on the available evidence, the clinical significance of this variant remains unclear.

NM_003036.4(SKI):c.1634T>C (p.Leu545Pro)

Gene: SKI (SKI proto-oncogene; plus strand). Cytogenetic location: 1p36.32.
Variant type: single nucleotide variant.
Coding change: c.1634T>C on transcript NM_003036.4 (MANE Select); coding-DNA position 1634, T replaced by C.
Protein change: p.Leu545Pro; replaces leucine 545 with proline.
Molecular consequence: missense variant.
Genome position (GRCh38, 1-based): chr1:2,304,452, T>C. VCF-style: chr1-2304452-T-C. GRCh37 (hg19) VCF-style: chr1-2235891-T-C.
Other names: short protein forms L545P.
Identifiers: ClinVar variation 3318711 (VCV003318711.1).
Genomic context (GRCh38, chr1:2,304,452, plus strand): 5'-TCCCTGATGCTGCGGCCCCTGCCGACGCCCCCAGTGGGCTGGAGGCGGAGCTGGAGCACC[T>C]GCGGCAGGCACTGGAGGGCGGCCTGGACACCAAGGAAGCCAAAGAGAAGTTCCTGCATGA-3'
Protein context (NP_003027.1, residues 535-555): PSGLEAELEH[Leu545Pro]RQALEGGLDT